The following is an entry in ClinVar:

ClinVar aggregate classification (germline): Uncertain significance (1 of 4 stars; one submission).

Conditions:
Familial cancer of breast. Also called: BREAST CANCER, FAMILIAL; Hereditary breast cancer; hereditary breast carcinoma. Identifiers: Orphanet 227535, MedGen C0346153, MONDO:0016419, OMIM 114480. Disease mechanism: loss of function.

Submission:

Labcorp Genetics (formerly Invitae), Labcorp
Classification: Uncertain significance for Familial cancer of breast. Last evaluated: 2021-01-21. Review status: criteria provided, single submitter. Criteria: Invitae Variant Classification Sherloc (09022015). Collection method: clinical testing. Allele origin: germline.
Comment: This sequence change replaces proline with leucine at codon 687 of the BARD1 protein (p.Pro687Leu). The proline residue is moderately conserved and there is a moderate physicochemical difference between proline and leucine. This variant is not present in population databases (ExAC no frequency). This variant has not been reported in the literature in individuals with BARD1-related conditions. Algorithms developed to predict the effect of missense changes on protein structure and function are either unavailable or do not agree on the potential impact of this missense change (SIFT: "Tolerated"; PolyPhen-2: "Possibly Damaging"; Align-GVGD: "Class C0"). In summary, the available evidence is currently insufficient to determine the role of this variant in disease. Therefore, it has been classified as a Variant of Uncertain Significance.

NM_000465.4(BARD1):c.2060C>T (p.Pro687Leu)

Gene: BARD1 (BRCA1 associated RING domain 1; minus strand). Cytogenetic location: 2q35.
Variant type: single nucleotide variant.
Coding change: c.2060C>T on transcript NM_000465.4 (MANE Select); coding-DNA position 2060, C replaced by T.
Protein change: p.Pro687Leu; replaces proline 687 with leucine.
Molecular consequence: missense variant. On other transcripts: non-coding transcript variant (3).
Genome position (GRCh38, 1-based): chr2:214,728,950, G>A on the plus strand (C>T on the coding strand, the complement: BARD1 is on the minus strand). VCF-style: chr2-214728950-G-A. GRCh37 (hg19) VCF-style: chr2-215593674-G-A.
Other names: c.2003C>T, p.Pro668Leu (NM_001282543.2); c.707C>T, p.Pro236Leu (NM_001282545.2); c.650C>T, p.Pro217Leu (NM_001282548.2); c.521C>T, p.Pro174Leu (NM_001282549.2); short protein forms P217L, P236L, P668L, P687L, P174L.
Identifiers: ClinVar variation 1366569 (VCV001366569.9), dbSNP rs2105987758, ClinGen allele CA350450698.
Genomic context (GRCh38, chr2:214,728,950, plus strand): 5'-GGCTTTCTACTGAGGATCTGGCCCCCACCTGCAGTGACGAGCTTAATAAGGTTGTCCTTT[G>A]GATGGTGTTTGAAGGTTCCCCACAAATAGAAGTAGCATCCATCAAACAGCTTTGGCAACT-3'
Protein context (NP_000456.2, residues 677-697): FYLWGTFKHH[Pro687Leu]KDNLIKLVTA